The following is an entry in ClinVar:

NM_003239.5(TGFB3):c.416T>C (p.Val139Ala)

Gene: TGFB3 (transforming growth factor beta 3; minus strand). Cytogenetic location: 14q24.3.
Variant type: single nucleotide variant.
Coding change: c.416T>C on transcript NM_003239.5 (MANE Select); coding-DNA position 416, T replaced by C.
Protein change: p.Val139Ala; replaces valine 139 with alanine.
Molecular consequence: missense variant.
Genome position (GRCh38, 1-based): chr14:75,971,655, A>G on the plus strand (T>C on the coding strand, the complement: TGFB3 is on the minus strand). VCF-style: chr14-75971655-A-G. GRCh37 (hg19) VCF-style: chr14-76437998-A-G.
Other names: c.416T>C, p.Val139Ala (NM_001329938.2, NM_001329939.2); short protein forms V139A.
Identifiers: ClinVar variation 950538 (VCV000950538.10), dbSNP rs1422804503, ClinGen allele CA390470148.
Genomic context (GRCh38, chr14:75,971,655, plus strand): 5'-GGGTTGGGCACCCGCAAGACCCGGAATTCTGCTCGGAATAGGTTGGTTCTATTTTTCTCC[A>G]CTGAGGACACATTGAAGCGGAAAACCTTGGAGGTAATTCCTTTAGGGCAGACAGCCAGTT-3'
Protein context (NP_003230.1, residues 129-149): SKVFRFNVSS[Val139Ala]EKNRTNLFRA

ClinVar aggregate classification (germline): Uncertain significance. Review status: criteria provided, multiple submitters, no conflicts (2 of 4 stars). 2 submissions from 2 submitters: Uncertain significance (2). Last evaluated 2025-12-15.

Conditions:
Familial thoracic aortic aneurysm and aortic dissection (TAAD). Also called: Thoracic aortic aneurysms and dissections. Identifiers: Orphanet 91387, MedGen C4707243, MONDO:0019625.
Rienhoff syndrome. Also called: LOEYS-DIETZ SYNDROME 5. Identifiers: MedGen C3810012, MONDO:0014262, OMIM 615582.

Allele frequency attached by ClinVar (database versions not stated): gnomAD exomes below 0.00001.
gnomAD v4.1: 1 of 1,614,196 alleles (0.000062%); highest among the groups gnomAD compares: Non-Finnish European, 0.000085%; no homozygotes.

Submissions (2):

Labcorp Genetics (formerly Invitae), Labcorp
Classification: Uncertain significance for Rienhoff syndrome. Last evaluated: 2025-12-15. Review status: criteria provided, single submitter. Criteria: Invitae Variant Classification Sherloc (09022015). Collection method: clinical testing. Allele origin: germline.
Comment: This sequence change replaces valine, which is neutral and non-polar, with alanine, which is neutral and non-polar, at codon 139 of the TGFB3 protein (p.Val139Ala). This variant is present in population databases (no rsID available, gnomAD 0.0009%). This variant has not been reported in the literature in individuals affected with TGFB3-related conditions. ClinVar contains an entry for this variant (Variation ID: 950538). Invitae Evidence Modeling of protein sequence and biophysical properties (such as structural, functional, and spatial information, amino acid conservation, physicochemical variation, residue mobility, and thermodynamic stability) indicates that this missense variant is not expected to disrupt TGFB3 protein function with a negative predictive value of 80%. In summary, the available evidence is currently insufficient to determine the role of this variant in disease. Therefore, it has been classified as a Variant of Uncertain Significance.

Ambry Genetics
Classification: Uncertain significance for Familial thoracic aortic aneurysm and aortic dissection. Last evaluated: 2021-12-13. Review status: criteria provided, single submitter. Criteria: Ambry Variant Classification Scheme 2023. Collection method: clinical testing. Allele origin: germline.
Comment: The p.V139A variant (also known as c.416T>C), located in coding exon 2 of the TGFB3 gene, results from a T to C substitution at nucleotide position 416. The valine at codon 139 is replaced by alanine, an amino acid with similar properties. This amino acid position is conserved. In addition, this alteration is predicted to be tolerated by in silico analysis. Since supporting evidence is limited at this time, the clinical significance of this alteration remains unclear.